The following is an entry in ClinVar:

NM_000271.5(NPC1):c.1111del (p.Val371fs)

Gene: NPC1 (NPC intracellular cholesterol transporter 1; minus strand). Cytogenetic location: 18q11.2.
Variant type: Deletion.
Coding change: c.1111del on transcript NM_000271.5 (MANE Select); coding-DNA position 1111, one base deleted (G; older notation c.1111delG).
Protein change: p.Val371fs; shifts the reading frame from valine 371.
Molecular consequence: frameshift variant.
Genome position (GRCh38, 1-based): chr18:23,556,458, C deleted on the plus strand (G on the coding strand, the reverse complement: NPC1 is on the minus strand). VCF-style (leftmost placement, unchanged base first): chr18-23556457-AC-A. GRCh37 (hg19) VCF-style: chr18-21136421-AC-A.
Other names: short protein forms V371fs.
Identifiers: ClinVar variation 5012734 (VCV005012734.1).

ClinVar aggregate classification (germline): Pathogenic (1 of 4 stars; one submission).

Conditions:
Niemann-Pick disease, type C1. Also called: NEUROVISCERAL STORAGE DISEASE WITH VERTICAL SUPRANUCLEAR OPHTHALMOPLEGIA; NIEMANN-PICK DISEASE WITH CHOLESTEROL ESTERIFICATION BLOCK; NIEMANN-PICK DISEASE WITHOUT SPHINGOMYELINASE DEFICIENCY; NIEMANN-PICK DISEASE, CHRONIC NEURONOPATHIC FORM; NIEMANN-PICK DISEASE, VARIANT TYPE C1. Identifiers: Orphanet 646, MedGen C3179455, MONDO:0009757, OMIM 257220.

Submission:

Myriad Genetics, Inc.
Classification: Pathogenic for Niemann-Pick disease, type C1. Last evaluated: 2024-02-14. Review status: criteria provided, single submitter. Criteria: Myriad Autosomal Dominant, Autosomal Recessive and X-Linked Classification Criteria (2023). Collection method: clinical testing. Allele origin: unknown.
Comment: NM_000271.4(NPC1):c.1111delG(V371Sfs*78) is expected to be pathogenic in the context of Niemann-Pick disease type C1. This variant is predicted to lead to an abnormal or absent protein product due to the creation of a premature termination codon in NPC1, a gene where loss-of-function variants are known to be pathogenic. Please note: this variant was assessed in the context of healthy population screening.